The following is an entry in ClinVar:

ClinVar aggregate classification (germline): Benign/Likely benign. Review status: criteria provided, multiple submitters, no conflicts (2 of 4 stars). 5 submissions from 5 submitters: Benign (1); Likely benign (4). Last evaluated 2024-11-11.

Conditions:
Hecht syndrome (DA7). Also called: MOUTH, INABILITY TO OPEN COMPLETELY, AND SHORT FINGER-FLEXOR TENDONS; Dutch-Kentucky syndrome. Identifiers: Orphanet 3377, MedGen C0265226, MONDO:0008016, OMIM 158300. Disease mechanism: gain of function.

Allele frequency attached by ClinVar (database versions not stated): gnomAD exomes 0.00039 and 0.00097; ExAC 0.00119; gnomAD 0.00334 and 0.00355; TOPMed 0.00354; 1000 Genomes Project 0.00379; 1000 Genomes Project 30x 0.00390; ESP Exome Variant Server 0.00461.
gnomAD v4.1: 1,115 of 1,614,080 alleles (0.069%); highest among the groups gnomAD compares: African/African-American, 1.1%; 5 homozygotes.

Submissions (5):

Blueprint Genetics
Classification: Likely benign. Last evaluated: 2024-11-11. Review status: criteria provided, single submitter. Criteria: ACMG Guidelines, 2015. Collection method: clinical testing. Allele origin: germline.

GeneDx
Classification: Likely benign. Last evaluated: 2020-10-16. Review status: criteria provided, single submitter. Criteria: GeneDx Variant Classification Process June 2021. Collection method: clinical testing. Allele origin: germline. Affected: yes.
Comment: See Variant Classification Assertion Criteria.

Labcorp Genetics (formerly Invitae), Labcorp
Classification: Benign. Last evaluated: 2019-12-31. Review status: criteria provided, single submitter. Criteria: Invitae Variant Classification Sherloc (09022015). Collection method: clinical testing. Allele origin: germline.

Illumina Laboratory Services, Illumina
Classification: Likely benign for Hecht syndrome. Last evaluated: 2018-01-12. Review status: criteria provided, single submitter. Criteria: ICSL Variant Classification Criteria 13 December 2019. Collection method: clinical testing. Allele origin: germline.
Comment: This variant was observed in the ICSL laboratory as part of a predisposition screen in an ostensibly healthy population. It had not been previously curated by ICSL or reported in the Human Gene Mutation Database (HGMD: prior to June 1st, 2018), and was therefore a candidate for classification through an automated scoring system. Utilizing variant allele frequency, disease prevalence and penetrance estimates, and inheritance mode, an automated score was calculated to assess if this variant is too frequent to cause the disease. Based on the score and internal cut-off values, a variant classified as likely benign is not then subjected to further curation. The score for this variant resulted in a classification of likely benign for this disease.

Breakthrough Genomics
Classification: Likely benign. Review status: criteria provided, single submitter. Criteria: ACMG Guidelines, 2015. Collection method: not provided. Allele origin: germline. Inheritance: Autosomal dominant inheritance. Affected: yes.

NM_002472.3(MYH8):c.4499C>T (p.Thr1500Met)

Genes: MYH8 (myosin heavy chain 8; minus strand), MYHAS (myosin heavy chain gene cluster antisense RNA; plus strand). Cytogenetic location: 17p13.1.
Variant type: single nucleotide variant.
Coding change: c.4499C>T on transcript NM_002472.3 (MANE Select); coding-DNA position 4499, C replaced by T.
Protein change: p.Thr1500Met; replaces threonine 1500 with methionine.
Molecular consequence: missense variant.
Genome position (GRCh38, 1-based): chr17:10,396,582, G>A on the plus strand (C>T on the coding strand, the complement: MYH8 is on the minus strand). VCF-style: chr17-10396582-G-A. GRCh37 (hg19) VCF-style: chr17-10299899-G-A.
Other names: short protein forms T1500M.
Identifiers: ClinVar variation 720389 (VCV000720389.11), dbSNP rs73977155, ClinGen allele CA8387270.
Genomic context (GRCh38, chr17:10,396,582, plus strand): 5'-ATATGGAGTAGGGAGGACTGTGAGGACTCACGTTGCAAGTTCTTATTTTCTCTTCTTAGC[G>A]TTTCGAGTTGATCCAGGGATTCCTCATAGACATTCTTCACCTTGAACAGCTCAGTGCTAA-3'
Protein context (NP_002463.2, residues 1490-1510): VYEESLDQLE[Thr1500Met]LRRENKNLQQ